The following is an entry in ClinVar:

ClinVar aggregate classification (germline): Uncertain significance. Review status: criteria provided, multiple submitters, no conflicts (2 of 4 stars). 2 submissions from 2 submitters: Uncertain significance (2). Last evaluated 2023-04-14.

Conditions:
Generalized epilepsy-paroxysmal dyskinesia syndrome (PNKD3). Also called: Generalized epilepsy and paroxysmal dyskinesia; Paroxysmal nonkinesigenic dyskinesia, 3, with or without generalized epilepsy. Identifiers: Orphanet 79137, MedGen C5574945, MONDO:0012276, OMIM 609446.
Cerebellar atrophy, developmental delay, and seizures. Identifiers: MedGen C4539985, MONDO:0060551, OMIM 617643.
Epilepsy, idiopathic generalized, susceptibility to, 16. Identifiers: MedGen C5231421, MONDO:0032827, OMIM 618596.
Liang-Wang syndrome. Identifiers: Orphanet 664438, MedGen C5231479, MONDO:0032886, OMIM 618729.

Submissions (2):

GeneDx
Classification: Uncertain significance. Last evaluated: 2023-04-14. Review status: criteria provided, single submitter. Criteria: GeneDx Variant Classification Process June 2021. Collection method: clinical testing. Allele origin: germline. Affected: yes.
Comment: Not observed at significant frequency in large population cohorts (gnomAD); In silico analysis supports that this missense variant does not alter protein structure/function; Has not been previously published as pathogenic or benign to our knowledge

Juno Genomics, Hangzhou Juno Genomics, Inc
Classification: Uncertain significance for Epilepsy, idiopathic generalized, susceptibility to, 16; Cerebellar atrophy, developmental delay, and seizures; Liang-Wang syndrome; Generalized epilepsy-paroxysmal dyskinesia syndrome. Review status: criteria provided, single submitter. Criteria: ACMG Guidelines, 2015. Collection method: clinical testing. Allele origin: germline.
Comment: Absent from controls (or at extremely low frequency if recessive) in Genome Aggregation Database.;Missense variant in a gene that has a low rate of benign missense variation.

NM_001161352.2(KCNMA1):c.3514A>G (p.Ile1172Val)

Gene: KCNMA1 (potassium calcium-activated channel subfamily M alpha 1; minus strand). Cytogenetic location: 10q22.3.
Variant type: single nucleotide variant.
Coding change: c.3514A>G on transcript NM_001161352.2 (MANE Select); coding-DNA position 3514, A replaced by G.
Protein change: p.Ile1172Val; replaces isoleucine 1172 with valine.
Molecular consequence: missense variant.
Genome position (GRCh38, 1-based): chr10:76,887,463, T>C on the plus strand (A>G on the coding strand, the complement: KCNMA1 is on the minus strand). VCF-style: chr10-76887463-T-C. GRCh37 (hg19) VCF-style: chr10-78647221-T-C.
Other names: c.3352A>G, p.Ile1118Val (NM_001014797.3); c.3463A>G, p.Ile1155Val (NM_001161353.2); c.3190A>G, p.Ile1064Val (NM_001271518.2); c.3430A>G, p.Ile1144Val (NM_001271519.2); c.3349A>G, p.Ile1117Val (NM_001322829.2, NM_001322836.2); c.3442A>G, p.Ile1148Val (NM_001322830.2); c.3340A>G, p.Ile1114Val (NM_001322832.2, NM_001410940.1, NM_002247.4); c.3433A>G, p.Ile1145Val (NM_001322835.2, NM_001322837.2); and 1 more; short protein forms I1064V, I1114V, I1117V, I1118V, I1144V, I1145V, I1148V, I1155V.
Identifiers: ClinVar variation 2662695 (VCV002662695.3), dbSNP rs2037607195, ClinGen allele CA377402862.